The following is an entry in ClinVar:

ClinVar aggregate classification (germline): Uncertain significance (1 of 4 stars; one submission).

Conditions:
Odonto-onycho-dermal dysplasia. Identifiers: Orphanet 2721, MedGen C0796093, MONDO:0009773, OMIM 257980.
Tooth agenesis, selective, 4 (STHAG4). Also called: LATERAL INCISORS, ABSENCE OF; LATERAL INCISORS, PEGGED OR MISSING; SUCCEDANEOUS TEETH, AGENESIS OF; TOOTH AGENESIS, SELECTIVE, 4, WITH OR WITHOUT ECTODERMAL DYSPLASIA. Identifiers: Orphanet 99798, MedGen C1835492, MONDO:0007881, OMIM 150400. Disease mechanism: loss of function.

gnomAD v4.1: 2 of 1,589,824 alleles (0.00013%); highest among the groups gnomAD compares: Non-Finnish European, 0.00017%; no homozygotes.

Submission:

Labcorp Genetics (formerly Invitae), Labcorp
Classification: Uncertain significance for Tooth agenesis, selective, 4; Odonto-onycho-dermal dysplasia. Last evaluated: 2024-06-20. Review status: criteria provided, single submitter. Criteria: Invitae Variant Classification Sherloc (09022015). Collection method: clinical testing. Allele origin: germline.
Comment: This sequence change replaces glycine, which is neutral and non-polar, with serine, which is neutral and polar, at codon 380 of the WNT10A protein (p.Gly380Ser). This variant is not present in population databases (gnomAD no frequency). This variant has not been reported in the literature in individuals affected with WNT10A-related conditions. Advanced modeling of protein sequence and biophysical properties (such as structural, functional, and spatial information, amino acid conservation, physicochemical variation, residue mobility, and thermodynamic stability) performed at Invitae indicates that this missense variant is expected to disrupt WNT10A protein function with a positive predictive value of 80%. In summary, the available evidence is currently insufficient to determine the role of this variant in disease. Therefore, it has been classified as a Variant of Uncertain Significance.

NM_025216.3(WNT10A):c.1138G>A (p.Gly380Ser)

Gene: WNT10A (Wnt family member 10A; plus strand). Cytogenetic location: 2q35.
Variant type: single nucleotide variant.
Coding change: c.1138G>A on transcript NM_025216.3 (MANE Select); coding-DNA position 1138, G replaced by A.
Protein change: p.Gly380Ser; replaces glycine 380 with serine.
Molecular consequence: missense variant.
Genome position (GRCh38, 1-based): chr2:218,893,155, G>A. VCF-style: chr2-218893155-G-A. GRCh37 (hg19) VCF-style: chr2-219757877-G-A.
Other names: short protein forms G380S.
Identifiers: ClinVar variation 3748114 (VCV003748114.2).
Genomic context (GRCh38, chr2:218,893,155, plus strand): 5'-CGCCTGTGCAACAAGAGCAGCGCCGGCTCGGATGGCTGCGGCAGCATGTGCTGCGGCCGC[G>A]GCCACAACATCCTGCGCCAGACGCGCAGCGAGCGCTGCCACTGCCGCTTCCACTGGTGCT-3'
Protein context (NP_079492.2, residues 370-390): DGCGSMCCGR[Gly380Ser]HNILRQTRSE